The following is an entry in ClinVar:

NM_000038.6(APC):c.7879_7881del (p.Ser2627del)

Gene: APC (APC regulator of Wnt signaling pathway; plus strand). Cytogenetic location: 5q22.2.
Variant type: Deletion.
Coding change: c.7879_7881del on transcript NM_000038.6 (MANE Select); coding-DNA positions 7879 to 7881, 3 bases deleted (TCT; older notation c.7879_7881delTCT).
Protein change: p.Ser2627del; deletes serine 2627.
Molecular consequence: inframe deletion.
Genome position (GRCh38, 1-based): chr5:112,843,473-112,843,475, TCT deleted; deleting any 3 consecutive bases within chr5:112,843,471-112,843,475 gives the same sequence; the c. name uses the placement nearest the transcript's 3' end. VCF-style (leftmost placement, unchanged base first): chr5-112843470-ACTT-A. GRCh37 (hg19) VCF-style: chr5-112179167-ACTT-A.
Other names: c.7879_7881del, p.Ser2627del (NM_001127510.3, NM_001354895.2); c.7825_7827del, p.Ser2609del (NM_001127511.3); c.7933_7935del, p.Ser2645del (NM_001354896.2); c.7909_7911del, p.Ser2637del (NM_001354897.2); c.7804_7806del, p.Ser2602del (NM_001354898.2); c.7795_7797del, p.Ser2599del (NM_001354899.2); c.7756_7758del, p.Ser2586del (NM_001354900.2); c.7702_7704del, p.Ser2568del (NM_001354901.2); and 5 more; short protein forms S2344del, S2568del, S2599del, S2627del, S2637del, S2609del, S2501del, S2526del.
Identifiers: ClinVar variation 1489600 (VCV001489600.8), dbSNP rs2149995363, ClinGen allele CA2573138677.

ClinVar aggregate classification (germline): Uncertain significance (1 of 4 stars; one submission).

Conditions:
Familial adenomatous polyposis 1 (FAP1). Also called: FAMILIAL ADENOMATOUS POLYPOSIS 1, ATTENUATED; POLYPOSIS, ADENOMATOUS INTESTINAL. Identifiers: MedGen C2713442, MONDO:0021056, OMIM 175100. Disease mechanism: loss of function.

Submission:

Labcorp Genetics (formerly Invitae), Labcorp
Classification: Uncertain significance for Familial adenomatous polyposis 1. Last evaluated: 2021-08-02. Review status: criteria provided, single submitter. Criteria: Invitae Variant Classification Sherloc (09022015). Collection method: clinical testing. Allele origin: germline.
Comment: Experimental studies and prediction algorithms are not available or were not evaluated, and the functional significance of this variant is currently unknown. In summary, the available evidence is currently insufficient to determine the role of this variant in disease. Therefore, it has been classified as a Variant of Uncertain Significance. This variant has not been reported in the literature in individuals with APC-related conditions. This variant, c.7879_7881del, results in the deletion of 1 amino acid(s) of the APC protein (p.Ser2627del), but otherwise preserves the integrity of the reading frame. This variant is not present in population databases (ExAC no frequency).